The following is an entry in ClinVar:

ClinVar aggregate classification (germline): Uncertain significance. Review status: criteria provided, multiple submitters, no conflicts (2 of 4 stars). 2 submissions from 2 submitters: Uncertain significance (2). Last evaluated 2023-11-08.

Conditions:
Holoprosencephaly 5 (HPE5). Identifiers: Orphanet 2162, MedGen C1864827, MONDO:0012322, OMIM 609637.

Allele frequency attached by ClinVar (database versions not stated): TOPMed below 0.00001; gnomAD 0.00001; gnomAD exomes 0.00001.

Submissions (2):

Revvity Omics, Revvity
Classification: Uncertain significance for Holoprosencephaly 5. Last evaluated: 2023-11-08. Review status: criteria provided, single submitter. Criteria: ACMG Guidelines, 2015. Collection method: clinical testing. Allele origin: germline.

Labcorp Genetics (formerly Invitae), Labcorp
Classification: Uncertain significance for Holoprosencephaly 5. Last evaluated: 2023-06-27. Review status: criteria provided, single submitter. Criteria: Invitae Variant Classification Sherloc (09022015). Collection method: clinical testing. Allele origin: germline.
Comment: In summary, the available evidence is currently insufficient to determine the role of this variant in disease. Therefore, it has been classified as a Variant of Uncertain Significance. This variant has not been reported in the literature in individuals affected with ZIC2-related conditions. This variant is present in population databases (rs749491525, gnomAD 0.006%). This variant, c.242_253dup, results in the insertion of 4 amino acid(s) of the ZIC2 protein (p.Ala84_Tyr85insCysProGlyAla), but otherwise preserves the integrity of the reading frame.

NM_007129.5(ZIC2):c.242_253dup (p.Ala84_Tyr85insCysProGlyAla)

Gene: ZIC2 (Zic family zinc finger 2; plus strand). Cytogenetic location: 13q32.3.
Variant type: Duplication.
Coding change: c.242_253dup on transcript NM_007129.5 (MANE Select); coding-DNA positions 242 to 253, 12 bases duplicated (GCCCCGGCGCCT).
Protein change: p.Ala84_Tyr85insCysProGlyAla.
Molecular consequence: inframe insertion.
Genome position (GRCh38, 1-based): chr13:99,982,306-99,982,317, GCCCCGGCGCCT duplicated. VCF-style (leftmost placement, unchanged base first): chr13-99982305-G-GGCCCCGGCGCCT. GRCh37 (hg19) VCF-style: chr13-100634559-G-GGCCCCGGCGCCT.
Identifiers: ClinVar variation 2690459 (VCV002690459.5), dbSNP rs749491525, ClinGen allele CA7032794.